The following is an entry in ClinVar:

NM_004409.5(DMPK):c.*224CTG[92]

Genes: DM1-AS (DM1 locus antisense RNA; plus strand), DMPK (DM1 protein kinase; minus strand), LOC107075317 (origin of replication in DMPK trinucleotide repeat region; plus strand), LOC109461477 (dystrophia myotonica protein kinase repeat instability region; plus strand). Cytogenetic location: 19q13.32.
Variant type: Microsatellite.
Coding change: c.*224CTG[92] on transcript NM_004409.5 (MANE Select); 92 copies in a row of the 3-base unit CTG starting at c.*224.
Molecular consequence: 3 prime UTR variant.
Genome position: GRCh38, VCF-style position (the base before the change): chr19:45,770,204. GRCh37 (hg19), VCF-style position (the base before the change): chr19:46,273,462.
Other names: DM1 CTG repeat expansion; c.*224CTG[92] (NM_001081560.3, NM_001288764.2, NM_001424165.1 and 1 more transcripts); c.*217CTG[92] (NM_001081562.3, NM_001288765.2, NM_001424162.1 and 2 more transcripts); c.*222_*224TGC[92] (NM_001081563.3); c.*369CTG[92] (NM_001288766.2, NM_001424164.1, NM_001424168.1).
Identifiers: ClinVar variation 188040 (VCV000188040.3), ClinGen allele CA915951872.

ClinVar aggregate classification (germline): Pathogenic. Review status: criteria provided, single submitter (1 of 4 stars). 2 submissions from 2 submitters: Pathogenic (1). 1 of the submissions does not count toward it. Last evaluated 2019-11-26.

Conditions:
Steinert myotonic dystrophy syndrome (DM1). Also called: STEINERT DISEASE; Myotonic dystrophy type 1; Dystrophia myotonica type 1; Steinert myotonic dystrophy; Steinert's disease. Identifiers: Orphanet 273, MedGen C3250443, MONDO:0008056, OMIM 160900.

Submissions (2):

Neuromuscular Research, Maastricht University Medical Centre
Classification: Pathogenic for Steinert myotonic dystrophy syndrome. Last evaluated: 2019-11-26. Review status: criteria provided, single submitter. Criteria: Best practice guidelines on molecular diagnosis DM1 and DM2, Kamsteeg et al. 2012. Collection method: clinical testing. Allele origin: paternal. Affected: yes.

Institute of Molecular, Cell and Systems Biology, University of Glasgow
Classification: Pathogenic for Steinert myotonic dystrophy syndrome. Review status: no assertion criteria provided. Criteria: research. Collection method: research. Allele origin: germline. Inheritance: Autosomal dominant inheritance. Affected: yes. Observed: 2 heterozygotes. Not counted in ClinVar's aggregate classification.
Comment: DMPK CTG repeat expansions greater than approximately 45-50 repeats are assumed to be pathogenic

This record is based on data published in PubMed 25052313, which reports only ClinVar accessions SCV000120188 and SCV000120189. The complete data set includes SCV000207445 - SCV000207579.

Literature cited by the submitters: PubMed 32203199 (cited by Neuromuscular Research, Maastricht University Medical Centre); PubMed 1346923 (cited by Institute of Molecular, Cell and Systems Biology, University of Glasgow); PubMed 1546326 (cited by Institute of Molecular, Cell and Systems Biology, University of Glasgow); PubMed 25052313 (cited by Institute of Molecular, Cell and Systems Biology, University of Glasgow).